The following is an entry in ClinVar:

NM_022168.4(IFIH1):c.2780A>T (p.His927Leu)

Gene: IFIH1 (interferon induced with helicase C domain 1; minus strand). Cytogenetic location: 2q24.2.
Variant type: single nucleotide variant.
Coding change: c.2780A>T on transcript NM_022168.4 (MANE Select); coding-DNA position 2780, A replaced by T.
Protein change: p.His927Leu; replaces histidine 927 with leucine.
Molecular consequence: missense variant.
Genome position (GRCh38, 1-based): chr2:162,268,114, T>A on the plus strand (A>T on the coding strand, the complement: IFIH1 is on the minus strand). VCF-style: chr2-162268114-T-A. GRCh37 (hg19) VCF-style: chr2-163124624-T-A.
Other names: short protein forms H927L.
Identifiers: ClinVar variation 1492189 (VCV001492189.8), dbSNP rs747311719, ClinGen allele CA348990673.
Genomic context (GRCh38, chr2:162,268,114, plus strand): 5'-GAAAAATGTAAAAATGGGTCTTTCTGGACTCACTTGAATTCTGGGGTCATATTGACGTGA[T>A]GCATTTTCTCAATTACATGGATATCTTCCCCAGAACAGGCTAGCACACTGCAGTTTTTGC-3'
Protein context (NP_071451.2, residues 917-937): GEDIHVIEKM[His927Leu]HVNMTPEFKE

ClinVar aggregate classification (germline): Uncertain significance (1 of 4 stars; one submission).

Conditions:
Singleton-Merten syndrome 1 (SGMRT1). Also called: Widened medullary cavities of bone, aortic calcification, abnormal dentition, and muscular weakness; Syndrome of widened medullary cavities of the metacarpals and phalanges, aortic calcification and abnormal dentition. Identifiers: Orphanet 85191, MedGen C4225427, MONDO:0024535, OMIM 182250.
Aicardi-Goutieres syndrome 7 (AGS7). Identifiers: Orphanet 51, MedGen C3888244, MONDO:0014367, OMIM 615846.

Submission:

Labcorp Genetics (formerly Invitae), Labcorp
Classification: Uncertain significance for Aicardi-Goutieres syndrome 7; Singleton-Merten syndrome 1. Last evaluated: 2024-02-16. Review status: criteria provided, single submitter. Criteria: Invitae Variant Classification Sherloc (09022015). Collection method: clinical testing. Allele origin: germline.
Comment: This sequence change replaces histidine, which is basic and polar, with leucine, which is neutral and non-polar, at codon 927 of the IFIH1 protein (p.His927Leu). This variant is not present in population databases (gnomAD no frequency). This variant has not been reported in the literature in individuals affected with IFIH1-related conditions. ClinVar contains an entry for this variant (Variation ID: 1492189). Advanced modeling of protein sequence and biophysical properties (such as structural, functional, and spatial information, amino acid conservation, physicochemical variation, residue mobility, and thermodynamic stability) has been performed at Invitae for this missense variant, however the output from this modeling did not meet the statistical confidence thresholds required to predict the impact of this variant on IFIH1 protein function. In summary, the available evidence is currently insufficient to determine the role of this variant in disease. Therefore, it has been classified as a Variant of Uncertain Significance.